The following is an entry in ClinVar:

ClinVar aggregate classification (germline): Pathogenic. Review status: criteria provided, multiple submitters, no conflicts (2 of 4 stars). 8 submissions from 8 submitters: Pathogenic (7). 1 of the submissions does not count toward it. Last evaluated 2025-01-26.

Conditions:
Autosomal dominant ARID1B-related disorders.
ARID1B-related BAFopathy.
Coffin-Siris syndrome 1 (CSS1). Also called: ARID1B-Related Coffin-Siris Syndrome; Mental retardation, autosomal dominant 12. Identifiers: Orphanet 1465, MedGen C3281201, MONDO:0007617, OMIM 135900. Disease mechanism: gain of function.

Submissions (8):

Variantyx, Inc.
Classification: Pathogenic for Autosomal dominant ARID1B-related disorders. Last evaluated: 2025-01-26. Review status: criteria provided, single submitter. Criteria: Variantyx Assertion Criteria 2022. Collection method: clinical testing. Allele origin: germline. Inheritance: Autosomal dominant inheritance. Affected: yes.
Comment: This is a nonsense variant in the ARID1B gene (OMIM: 614556). Pathogenic variants in this gene have been associated with autosomal dominant ARID1B-related disorders. This variant likely occurred de novo in the current proband, individual(s) from the published literature, or previous internal cases, however, the possibility of parental germline mosaicism cannot be excluded (PMID: 22405089, 27112773, 22426308) (PS2). This variant introduces a premature termination codon in exon 12 out of 20. It is expected to result in loss of function, which is a known disease mechanism for ARID1B in this disorder (PMID: 22426308, 21801163, 22405089, 22426309) (PVS1). This variant is absent from control populations (PM2). Based on the current evidence, this variant is classified as pathogenic for autosomal dominant ARID1B-related disorders.

Labcorp Genetics (formerly Invitae), Labcorp
Classification: Pathogenic. Last evaluated: 2024-10-02. Review status: criteria provided, single submitter. Criteria: Invitae Variant Classification Sherloc (09022015). Collection method: clinical testing. Allele origin: germline.
Comment: This sequence change creates a premature translational stop signal (p.Arg1102*) in the ARID1B gene. It is expected to result in an absent or disrupted protein product. Loss-of-function variants in ARID1B are known to be pathogenic (PMID: 25674384, 30349098). This variant is not present in population databases (gnomAD no frequency). This premature translational stop signal has been observed in individual(s) with Coffin-Siris syndrome (PMID: 22405089). ClinVar contains an entry for this variant (Variation ID: 31210). For these reasons, this variant has been classified as Pathogenic.

GeneDx
Classification: Pathogenic. Last evaluated: 2021-12-16. Review status: criteria provided, single submitter. Criteria: GeneDx Variant Classification Process June 2021. Collection method: clinical testing. Allele origin: germline. Affected: yes.
Comment: Nonsense variant predicted to result in protein truncation or nonsense mediated decay in a gene for which loss-of-function is a known mechanism of disease; Tsurusaki et al. (2012) confirmed the nonsense mediated RNA decay using RT-PCR in lymhoblastoid cell line derived from the patient harboring this variant; Not observed at significant frequency in large population cohorts (Lek et al., 2016); This variant is associated with the following publications: (PMID: 22405089, 31077186, 22426308, 30349098, 27112773, 32339967, 28191889)

Fulgent Genetics
Classification: Pathogenic for Coffin-Siris syndrome 1. Last evaluated: 2021-08-18. Review status: criteria provided, single submitter. Criteria: ACMG Guidelines, 2015. Collection method: clinical testing. Allele origin: unknown.

Genome-Nilou Lab
Classification: Pathogenic for Coffin-Siris syndrome 1. Last evaluated: 2021-07-15. Review status: criteria provided, single submitter. Criteria: ACMG Guidelines, 2015. Collection method: clinical testing. Allele origin: germline. Affected: no.

Baylor Genetics
Classification: Pathogenic for ARID1B-related BAFopathy. Last evaluated: 2021-06-10. Review status: criteria provided, single submitter. Criteria: ACMG Guidelines, 2015. Collection method: clinical testing. Allele origin: de novo. Affected: yes.

Institute for Genomic Statistics and Bioinformatics, University Hospital Bonn
Classification: Pathogenic for Coffin-Siris syndrome 1. Review status: criteria provided, single submitter. Criteria: ACMG Guidelines, 2015. Collection method: clinical testing. Allele origin: unknown. Affected: yes. Observed: 1 variant allele.

OMIM
Classification: Pathogenic for COFFIN-SIRIS SYNDROME 1. Last evaluated: 2012-03-18. Review status: no assertion criteria provided. Collection method: literature only. Allele origin: germline. Not counted in ClinVar's aggregate classification.

Literature cited by the submitters: PubMed 22405089 (cited by 3 submitters); PubMed 27112773 (cited by Variantyx, Inc.); PubMed 22426308 (cited by Variantyx, Inc. and OMIM); PubMed 21801163 (cited by Variantyx, Inc.); PubMed 22426309 (cited by Variantyx, Inc.); PubMed 25674384 (cited by Labcorp Genetics (formerly Invitae), Labcorp); PubMed 30349098 (cited by Labcorp Genetics (formerly Invitae), Labcorp).

NM_001374828.1(ARID1B):c.3673C>T (p.Arg1225Ter)

Gene: ARID1B (AT-rich interaction domain 1B; plus strand). Cytogenetic location: 6q25.3.
Variant type: single nucleotide variant.
Coding change: c.3673C>T on transcript NM_001374828.1 (MANE Select); coding-DNA position 3673, C replaced by T.
Protein change: p.Arg1225Ter; replaces arginine 1225 with a stop codon.
Molecular consequence: nonsense.
Genome position (GRCh38, 1-based): chr6:157,181,137, C>T. VCF-style: chr6-157181137-C-T. GRCh37 (hg19) VCF-style: chr6-157502271-C-T.
Other names: c.3304C>T, p.Arg1102Ter (NM_020732.3); c.1174C>T, p.Arg392Ter (NM_001363725.2); c.3553C>T, p.Arg1185Ter (NM_001371656.1, NM_001374820.1); c.3514C>T, p.Arg1172Ter (NM_017519.3); short protein forms R1102*, R392*, R1172*, R1185*, R1225*.
Identifiers: ClinVar variation 31210 (VCV000031210.14), dbSNP rs387907141, ClinGen allele CA129764.